The following is an entry in ClinVar:

NM_031407.7(HUWE1):c.3568G>T (p.Asp1190Tyr)

Gene: HUWE1 (HECT, UBA and WWE domain containing E3 ubiquitin protein ligase 1; minus strand). Cytogenetic location: Xp11.22.
Variant type: single nucleotide variant.
Coding change: c.3568G>T on transcript NM_031407.7 (MANE Select); coding-DNA position 3568, G replaced by T.
Protein change: p.Asp1190Tyr; replaces aspartic acid 1190 with tyrosine.
Molecular consequence: missense variant.
Genome position (GRCh38, 1-based): chrX:53,593,537, C>A on the plus strand (G>T on the coding strand, the complement: HUWE1 is on the minus strand). VCF-style: chrX-53593537-C-A. GRCh37 (hg19) VCF-style: chrX-53620497-C-A.
Other names: c.3568G>T, p.Asp1190Tyr (NM_001441048.1, NM_001441049.1, NM_001441051.1 and 6 more transcripts); c.3589G>T, p.Asp1197Tyr (NM_001441050.1, NM_001441055.1); short protein forms D1197Y, D1190Y.
Identifiers: ClinVar variation 5008539 (VCV005008539.1).
Genomic context (GRCh38, chrX:53,593,537, plus strand): 5'-CCATCTTCTCCACCAGCATAAGCCAGGCATCTAGGAATTCTCCTGTGCCATCAGGCAAGT[C>A]TGAGTGTTCCAATCCCTCAGAAACAGGAACTTTACCTCCCATGGACAGAGCCCAGTTGAA-3'
Protein context (NP_113584.3, residues 1180-1200): VPVSEGLEHS[Asp1190Tyr]LPDGTGEFLD

ClinVar aggregate classification (germline): Uncertain significance (1 of 4 stars; one submission).

Submission:

GeneDx
Classification: Uncertain significance. Last evaluated: 2026-02-13. Review status: criteria provided, single submitter. Criteria: GeneDx Variant Classification Process June 2021. Collection method: clinical testing. Allele origin: germline.
Comment: Not observed at significant frequency in large population cohorts (gnomAD); In silico analysis supports that this missense variant has a deleterious effect on protein structure/function; Has not been previously published as pathogenic or benign to our knowledge